The following is an entry in ClinVar:

NM_001286.5(CLCN6):c.1249-3C>T

Gene: CLCN6 (chloride voltage-gated channel 6; plus strand). Cytogenetic location: 1p36.22.
Variant type: single nucleotide variant.
Coding change: c.1249-3C>T on transcript NM_001286.5 (MANE Select); 3 bases into the intron before coding-DNA position 1249, C replaced by T.
Molecular consequence: intron variant.
Genome position (GRCh38, 1-based): chr1:11,833,512, C>T. VCF-style: chr1-11833512-C-T. GRCh37 (hg19) VCF-style: chr1-11893569-C-T.
Other names: c.1183-3C>T (NM_001256959.2).
Identifiers: ClinVar variation 1383969 (VCV001383969.6), dbSNP rs2100651944, ClinGen allele CA2573130732.
Genomic context (GRCh38, chr1:11,833,512, plus strand): 5'-CATCCCACTTGAAGACTCAAAGTCAGGTGTCCTTGTACTGATTTTCTGATTCCTTCTTCT[C>T]AGGTCACAGAAGATGTGAATTCAAGTATCAAGACATTTTTTTGTCCCAATGATACCTACA-3'

ClinVar aggregate classification (germline): Uncertain significance (1 of 4 stars; one submission).

Submission:

Labcorp Genetics (formerly Invitae), Labcorp
Classification: Uncertain significance. Last evaluated: 2024-10-17. Review status: criteria provided, single submitter. Criteria: Invitae Variant Classification Sherloc (09022015). Collection method: clinical testing. Allele origin: germline.
Comment: This sequence change falls in intron 13 of the CLCN6 gene. It does not directly change the encoded amino acid sequence of the CLCN6 protein. It affects a nucleotide within the consensus splice site. This variant is not present in population databases (gnomAD no frequency). This variant has not been reported in the literature in individuals affected with CLCN6-related conditions. ClinVar contains an entry for this variant (Variation ID: 1383969). Variants that disrupt the consensus splice site are a relatively common cause of aberrant splicing (PMID: 17576681, 9536098). Algorithms developed to predict the effect of sequence changes on RNA splicing suggest that this variant is not likely to affect RNA splicing. In summary, the available evidence is currently insufficient to determine the role of this variant in disease. Therefore, it has been classified as a Variant of Uncertain Significance.

Literature cited by the submitters: PubMed 17576681; PubMed 9536098.